The following is an entry in ClinVar:

NM_000127.3(EXT1):c.2233C>T (p.Arg745Ter)

Gene: EXT1 (exostosin glycosyltransferase 1; minus strand). Cytogenetic location: 8q24.11.
Variant type: single nucleotide variant.
Coding change: c.2233C>T on transcript NM_000127.3 (MANE Select); coding-DNA position 2233, C replaced by T.
Protein change: p.Arg745Ter; replaces arginine 745 with a stop codon.
Molecular consequence: nonsense.
Genome position (GRCh38, 1-based): chr8:117,799,720, G>A on the plus strand (C>T on the coding strand, the complement: EXT1 is on the minus strand). VCF-style: chr8-117799720-G-A. GRCh37 (hg19) VCF-style: chr8-118811959-G-A.
Other names: short protein forms R745*.
Identifiers: ClinVar variation 1304454 (VCV001304454.2), dbSNP rs756691505, ClinGen allele CA184316348.

ClinVar aggregate classification (germline): Uncertain significance (1 of 4 stars; one submission).

Allele frequency attached by ClinVar (database versions not stated): gnomAD exomes below 0.00001; TOPMed below 0.00001.
gnomAD v4.1: 2 of 1,613,910 alleles (0.00012%); highest among the groups gnomAD compares: Non-Finnish European, 0.00017%; no homozygotes.

Submission:

GeneDx
Classification: Uncertain significance. Last evaluated: 2021-05-13. Review status: criteria provided, single submitter. Criteria: GeneDx Variant Classification Process June 2021. Collection method: clinical testing. Allele origin: germline. Affected: yes.
Comment: Not observed in large population cohorts (Lek et al., 2016); Nonsense variant predicted to result in protein truncation as the last 2 amino acids are lost, although loss-of-function variants have not been reported downstream of this position in the protein; Has not been previously published as pathogenic or benign to our knowledge; This variant is associated with the following publications: (PMID: 33504652)